The following is an entry in ClinVar:

ClinVar aggregate classification (germline): Pathogenic (1 of 4 stars; one submission).

Conditions:
Pulmonary fibrosis and/or bone marrow failure, Telomere-related, 3. Also called: PULMONARY FIBROSIS AND/OR BONE MARROW FAILURE SYNDROME, TELOMERE-RELATED, 3. Identifiers: Orphanet 2032, MedGen C4225346, MONDO:0014613, OMIM 616373.
Dyskeratosis congenita, autosomal recessive 5 (DKCB5). Identifiers: MedGen C3554656, MONDO:0014076, OMIM 615190.

Submission:

Labcorp Genetics (formerly Invitae), Labcorp
Classification: Pathogenic for Dyskeratosis congenita, autosomal recessive 5; Pulmonary fibrosis and/or bone marrow failure, Telomere-related, 3. Last evaluated: 2024-04-22. Review status: criteria provided, single submitter. Criteria: Invitae Variant Classification Sherloc (09022015). Collection method: clinical testing. Allele origin: germline.
Comment: This sequence change creates a premature translational stop signal (p.Leu620Trpfs*22) in the RTEL1 gene. It is expected to result in an absent or disrupted protein product. Loss-of-function variants in RTEL1 are known to be pathogenic (PMID: 23453664, 23959892, 25607374). This variant is not present in population databases (gnomAD no frequency). This variant has not been reported in the literature in individuals affected with RTEL1-related conditions. For these reasons, this variant has been classified as Pathogenic.

Literature cited by the submitters: PubMed 23453664; PubMed 23959892; PubMed 25607374.

NM_001283009.2(RTEL1):c.1858del (p.Leu620fs)

Genes: RTEL1-TNFRSF6B (RTEL1-TNFRSF6B readthrough (NMD candidate); plus strand), RTEL1 (regulator of telomere elongation helicase 1; plus strand). Cytogenetic location: 20q13.33.
Variant type: Deletion.
Coding change: c.1858del on transcript NM_001283009.2 (MANE Select); coding-DNA position 1858, one base deleted (C; older notation c.1858delC).
Protein change: p.Leu620fs; shifts the reading frame from leucine 620.
Molecular consequence: frameshift variant. On other transcripts: non-coding transcript variant (1).
Genome position (GRCh38, 1-based): chr20:63,689,112, C deleted; the last of 2 consecutive C bases (chr20:63,689,111-63,689,112); deleting either gives the same sequence. VCF-style (leftmost placement, unchanged base first): chr20-63689110-TC-T. GRCh37 (hg19) VCF-style: chr20-62320463-TC-T.
Other names: c.1189del, p.Leu397fs (NM_001283010.1); c.1858del, p.Leu620fs (NM_016434.4); c.1930del, p.Leu644fs (NM_032957.5); short protein forms L397fs, L620fs, L644fs.
Identifiers: ClinVar variation 3755960 (VCV003755960.2).